The following is an entry in ClinVar:

ClinVar aggregate classification (germline): Likely pathogenic. Review status: criteria provided, multiple submitters, no conflicts (2 of 4 stars). 2 submissions from 2 submitters: Likely pathogenic (2). Last evaluated 2023-12-25.

Conditions:
Very long chain acyl-CoA dehydrogenase deficiency (ACADVLD). Also called: VLCAD Deficiency; Very Long-Chain Acyl-Coenzyme A Dehydrogenase Deficiency. Identifiers: Orphanet 26793, MedGen C3887523, MONDO:0008723, OMIM 201475.

Submissions (2):

Baylor Genetics
Classification: Likely pathogenic for Very long chain acyl-CoA dehydrogenase deficiency. Last evaluated: 2023-12-25. Review status: criteria provided, single submitter. Criteria: ACMG Guidelines, 2015. Collection method: clinical testing. Allele origin: unknown.

Labcorp Genetics (formerly Invitae), Labcorp
Classification: Likely pathogenic for Very long chain acyl-CoA dehydrogenase deficiency. Last evaluated: 2021-01-07. Review status: criteria provided, single submitter. Criteria: Invitae Variant Classification Sherloc (09022015). Collection method: clinical testing. Allele origin: germline.
Comment: This variant is not present in population databases (ExAC no frequency). This sequence change affects codon 444 of the ACADVL mRNA. It is a 'silent' change, meaning that it does not change the encoded amino acid sequence of the ACADVL protein. This variant also falls at the last nucleotide of exon 13 of the ACADVL coding sequence, which is part of the consensus splice site for this exon. This variant has been observed in homozygosis in an individual with very low ACADVL enzymatic activity (Pubmed: 24330285). In summary, the currently available evidence indicates that the variant is pathogenic, but additional data are needed to prove that conclusively. Therefore, this variant has been classified as Likely Pathogenic. Nucleotide substitutions within the consensus splice site are a relatively common cause of aberrant splicing (PMID: 17576681, 9536098). Algorithms developed to predict the effect of sequence changes on RNA splicing suggest that this variant may disrupt the consensus splice site, but this prediction has not been confirmed by published transcriptional studies.

Literature cited by the submitters: PubMed 17576681 (cited by Labcorp Genetics (formerly Invitae), Labcorp); PubMed 9536098 (cited by Labcorp Genetics (formerly Invitae), Labcorp).

NM_000018.4(ACADVL):c.1332G>A (p.Lys444=)

Gene: ACADVL (acyl-CoA dehydrogenase very long chain; plus strand). Cytogenetic location: 17p13.1.
Variant type: single nucleotide variant.
Coding change: c.1332G>A on transcript NM_000018.4 (MANE Select); coding-DNA position 1332, G replaced by A.
Protein change: p.Lys444=; no amino-acid change (lysine 444 retained).
Molecular consequence: synonymous variant.
Genome position (GRCh38, 1-based): chr17:7,223,875, G>A. VCF-style: chr17-7223875-G-A. GRCh37 (hg19) VCF-style: chr17-7127194-G-A.
Other names: c.1266G>A, p.Lys422= (NM_001033859.3); c.1401G>A, p.Lys467= (NM_001270447.2); c.1104G>A, p.Lys368= (NM_001270448.2).
Identifiers: ClinVar variation 657149 (VCV000657149.9), dbSNP rs1597534796, ClinGen allele CA497694211.